The following is an entry in ClinVar:

ClinVar aggregate classification (germline): Uncertain significance (1 of 4 stars; one submission).

Submission:

Labcorp Genetics (formerly Invitae), Labcorp
Classification: Uncertain significance. Last evaluated: 2025-10-15. Review status: criteria provided, single submitter. Criteria: Invitae Variant Classification Sherloc (09022015). Collection method: clinical testing. Allele origin: germline.
Comment: This sequence change replaces methionine, which is neutral and non-polar, with threonine, which is neutral and polar, at codon 602 of the COL2A1 protein (p.Met602Thr). This variant is not present in population databases (gnomAD no frequency). This variant has not been reported in the literature in individuals affected with COL2A1-related conditions. Invitae Evidence Modeling of protein sequence and biophysical properties (such as structural, functional, and spatial information, amino acid conservation, physicochemical variation, residue mobility, and thermodynamic stability) indicates that this missense variant is not expected to disrupt COL2A1 protein function with a negative predictive value of 95%. In summary, the available evidence is currently insufficient to determine the role of this variant in disease. Therefore, it has been classified as a Variant of Uncertain Significance.

NM_001844.5(COL2A1):c.1805T>C (p.Met602Thr)

Gene: COL2A1 (collagen type II alpha 1 chain; minus strand). Cytogenetic location: 12q13.11.
Variant type: single nucleotide variant.
Coding change: c.1805T>C on transcript NM_001844.5 (MANE Select); coding-DNA position 1805, T replaced by C.
Protein change: p.Met602Thr; replaces methionine 602 with threonine.
Molecular consequence: missense variant.
Genome position (GRCh38, 1-based): chr12:47,985,023, A>G on the plus strand (T>C on the coding strand, the complement: COL2A1 is on the minus strand). VCF-style: chr12-47985023-A-G. GRCh37 (hg19) VCF-style: chr12-48378806-A-G.
Other names: c.1598T>C, p.Met533Thr (NM_033150.3); short protein forms M602T, M533T.
Identifiers: ClinVar variation 4747064 (VCV004747064.1).